The following is an entry in ClinVar:

ClinVar aggregate classification (germline): Uncertain significance (1 of 4 stars; one submission).

Submission:

ISCA site 15
Classification: Uncertain significance. Last evaluated: 2011-08-12. Review status: criteria provided, single submitter. Criteria: Kaminsky et al. (Genet Med. 2011). Collection method: clinical testing. Allele origin: unknown. Affected: yes. Observed: 1 variant allele.
Comment: Copy number variation identified through the course of routine clinical cytogenomic testing in postnatal populations. Clinical assertions have been curated as described in Kaminsky et al. 2011.

GRCh38/hg38 16q22.1(chr16:66963495-67004242)x3

Genes: CES3 (carboxylesterase 3; plus strand), CES4A (carboxylesterase 4A; plus strand), LOC112469016 (Sharpr-MPRA regulatory region 4953; plus strand), LOC125177333 (Sharpr-MPRA regulatory region 2980; plus strand), LOC126862377 (BRD4-independent group 4 enhancer GRCh37_chr16:67004920-67006119; plus strand). Cytogenetic location: 16q22.1.
Variant type: copy number gain.
Change: copy number 3 (three copies instead of two) of chr16:66,963,495-67,004,242 (40.7 kb, GRCh38 coordinates, 1-based), cytogenetic band 16q22.1.
Identifiers: ClinVar variation 59993 (VCV000059993.1).